The following is an entry in ClinVar:

ClinVar aggregate classification (germline): Conflicting classifications of pathogenicity. Review status: criteria provided, conflicting classifications (1 of 4 stars). 5 submissions from 5 submitters: Likely pathogenic (1); Uncertain significance (3). 1 of the submissions does not count toward it. Last evaluated 2025-03-13.

Conditions:
Hereditary spherocytosis type 5. Also called: EPB42-Related Spherocytosis; EPB42-Related Hereditary Spherocytosis. Identifiers: Orphanet 822, MedGen C2675192, MONDO:0012985, OMIM 612690.

Allele frequency attached by ClinVar (database versions not stated): TOPMed 0.00004; gnomAD exomes 0.00008 and 0.00005; gnomAD 0.00009; ExAC 0.00008.
gnomAD v4.1: 85 of 1,614,042 alleles (0.0053%); highest among the groups gnomAD compares: East Asian, 0.018%; 1 homozygote.

Submissions (5):

ARUP Laboratories, Molecular Genetics and Genomics, ARUP Laboratories
Classification: Uncertain significance for Hereditary spherocytosis type 5. Last evaluated: 2025-03-13. Review status: criteria provided, single submitter. Criteria: ARUP Molecular Germline Variant Investigation Process 2024. Collection method: clinical testing. Allele origin: germline.
Comment: The EPB42 c.949C>T; p.Arg317Cys variant (rs515726212, ClinVar Variation ID 132635), also known as Band 4.2 Shiga, is reported in trans to Band 4.2 Nippon, in two individuals from a single kindred affected with microspherocytosis (Kanzaki 1995). This variant is found in the general population with an overall allele frequency of 0.008% (24/282,538 alleles, including one homozygote) in the Genome Aggregation Database (v2.1.1). Computational analyses predict that this variant is deleterious (REVEL: 0.79). However, due to insufficient clinical and lack of functional data, the significance of this variant is uncertain at this time. References: Kanzaki A et al. Band 4.2 Shiga: 317 CGC-->TGC in compound heterozygotes with 142 GCT-->ACT results in band 4.2 deficiency and microspherocytosis. Br J Haematol. 1995 Oct. PMID: 8547071.

Revvity Omics, Revvity
Classification: Uncertain significance for Hereditary spherocytosis type 5. Last evaluated: 2024-04-11. Review status: criteria provided, single submitter. Criteria: ACMG Guidelines, 2015. Collection method: clinical testing. Allele origin: germline.

Women's Health and Genetics/Laboratory Corporation of America, LabCorp
Classification: Uncertain significance. Last evaluated: 2023-12-05. Review status: criteria provided, single submitter. Criteria: LabCorp Variant Classification Summary - May 2015. Collection method: clinical testing. Allele origin: germline.
Comment: Variant summary: EPB42 c.949C>T (p.Arg317Cys) results in a non-conservative amino acid change located in the Transglutaminase-like domain (IPR002931) of the encoded protein sequence. Five of five in-silico tools predict a damaging effect of the variant on protein function. The variant allele was found at a frequency of 8e-05 in 251138 control chromosomes in the gnomAD database, including 1 homozygote. c.949C>T has been reported in the literature in individuals affected with hereditary haemolytic anaemia (Kanzaki_1995). These data indicate that the variant may be associated with disease. To our knowledge, no experimental evidence demonstrating an impact on protein function has been reported. The following publications have been ascertained in the context of this evaluation (PMID: 32726712, 29402830, 8547071, 15692067, 8635206). One submitter has cited clinical-significance assessments for this variant to ClinVar after 2014 and has classified the variant as likely pathogenic. Based on the evidence outlined above, the variant was classified as VUS-possibly pathogenic.

Mayo Clinic Laboratories, Mayo Clinic
Classification: Likely pathogenic. Last evaluated: 2020-12-15. Review status: criteria provided, single submitter. Criteria: ACMG Guidelines, 2015. Collection method: clinical testing. Allele origin: germline. Observed: 1 variant allele.
Comment: PM1, PP1, PM3, PP3

GeneReviews
No classification provided. Condition: Hereditary spherocytosis type 5. Review status: no classification provided. Collection method: literature only. Allele origin: germline. Affected: yes. Not counted in ClinVar's aggregate classification.

Literature cited by the submitters: PubMed 32726712 (cited by Women's Health and Genetics/Laboratory Corporation of America, LabCorp); PubMed 29402830 (cited by Women's Health and Genetics/Laboratory Corporation of America, LabCorp); PubMed 8547071 (cited by Women's Health and Genetics/Laboratory Corporation of America, LabCorp and Mayo Clinic Laboratories, Mayo Clinic); PubMed 15692067 (cited by Women's Health and Genetics/Laboratory Corporation of America, LabCorp); PubMed 8635206 (cited by Women's Health and Genetics/Laboratory Corporation of America, LabCorp); NCBI Bookshelf NBK190102 (cited by GeneReviews).

NM_001114134.2(EPB42):c.859C>T (p.Arg287Cys)

Gene: EPB42 (erythrocyte membrane protein band 4.2; minus strand). Cytogenetic location: 15q15.2.
Variant type: single nucleotide variant.
Coding change: c.859C>T on transcript NM_001114134.2 (MANE Select); coding-DNA position 859, C replaced by T.
Protein change: p.Arg287Cys; replaces arginine 287 with cysteine.
Molecular consequence: missense variant.
Genome position (GRCh38, 1-based): chr15:43,208,749, G>A on the plus strand (C>T on the coding strand, the complement: EPB42 is on the minus strand). VCF-style: chr15-43208749-G-A. GRCh37 (hg19) VCF-style: chr15-43500947-G-A.
Other names: 4.2 Shiga; c.949C>T, p.Arg317Cys (NM_000119.3); short protein forms R317C, R287C.
Identifiers: ClinVar variation 132635 (VCV000132635.11), dbSNP rs515726212, ClinGen allele CA345655.